The following is an entry in ClinVar:

NM_001754.5(RUNX1):c.509-19C>T

Genes: RUNX1 (RUNX family transcription factor 1; minus strand), RUNX1-AS1 (RUNX1 antisense RNA 1; plus strand). Cytogenetic location: 21q22.12.
Variant type: single nucleotide variant.
Coding change: c.509-19C>T on transcript NM_001754.5 (MANE Select); 19 bases into the intron before coding-DNA position 509, C replaced by T.
Molecular consequence: intron variant.
Genome position (GRCh38, 1-based): chr21:34,859,597, G>A on the plus strand (C>T on the coding strand, the complement: RUNX1 is on the minus strand). VCF-style: chr21-34859597-G-A. GRCh37 (hg19) VCF-style: chr21-36231894-G-A.
Other names: c.428-19C>T (NM_001001890.3, NM_001122607.2).
Identifiers: ClinVar variation 1670366 (VCV001670366.9), dbSNP rs562815180, ClinGen allele CA320618045.
Genomic context (GRCh38, chr21:34,859,597, plus strand): 5'-GTGGGTTTGTGAAGACAGTGATGGTCAGAGTGAAGCTTTTCCCTGTGGGGACACGATAGA[G>A]AACAAAACAGAATGAGGTTGGTGGCCTGAACATATCTGTTGAATAACCAATCATTAATTT-3'

ClinVar aggregate classification (germline): Likely benign. Review status: reviewed by expert panel (3 of 4 stars). 2 submissions from 2 submitters: Likely benign (1). 1 of the submissions does not count toward it. Last evaluated 2024-08-28.

Conditions:
Hereditary thrombocytopenia and hematologic cancer predisposition syndrome. Identifiers: Orphanet 71290, MedGen CN281654, MONDO:0011071.
Hereditary thrombocytopenia and hematological cancer predisposition syndrome associated with RUNX1. Also called: PLATELET DISORDER, ASPIRIN-LIKE; RUNX1 Familial Platelet Disorder with Associated Myeloid Malignancies; Familial Platelet Disorder with Propensity to Acute Myelogenous Leukemia; Familial thrombocytopenia with propensity to acute myelogenous leukemia. Identifiers: Orphanet 71290, MedGen C1832388, MeSH C563324, MONDO:0100083, OMIM 601399.

Allele frequency attached by ClinVar (database versions not stated): gnomAD exomes below 0.00001.
gnomAD v4.1: 7 of 1,573,882 alleles (0.00044%); highest among the groups gnomAD compares: African/African-American, 0.0027%; no homozygotes.

Submissions (2):

ClinGen Myeloid Malignancy Variant Curation Expert Panel
Classification: Likely benign for Hereditary thrombocytopenia and hematologic cancer predisposition syndrome. Last evaluated: 2024-08-28. Review status: reviewed by expert panel. Criteria: ClinGen MyeloMalig ACMG Specifications v2. Collection method: curation. Allele origin: germline. Inheritance: Autosomal dominant inheritance.
Comment: NM_001754.5(RUNX1):c.509-19C>T is an intronic variant in intron 5. It is reported at very low levels in gnomAD (0.00003), thus it is not absent but does not meet thresholds for BA1 or BS1. The nucleotide and surrounding sequence are not evolutionarily conserved, and the variant is not predicted to affect splicing, with a SpliceAI score ≤ 0.20 and a phyloP100 way score ≤ 2.0 (1.319) (BP4, BP7). The variant has not been described in the literature. In summary, this variant meets criteria to be classified as likely benign. ACMG/AMP criteria applied, as specified by the Myeloid Malignancy Variant Curation Expert Panel for RUNX1: BP4, BP7.

Labcorp Genetics (formerly Invitae), Labcorp
Classification: Likely benign for Hereditary thrombocytopenia and hematological cancer predisposition syndrome associated with RUNX1. Last evaluated: 2023-11-28. Review status: criteria provided, single submitter. Criteria: Invitae Variant Classification Sherloc (09022015). Collection method: clinical testing. Allele origin: germline. Not counted in ClinVar's aggregate classification.